The following is an entry in ClinVar:

NM_005859.5(PURA):c.114_119del (p.Gly41_Gly42del)

Gene: PURA (purine rich element binding protein A; plus strand). Cytogenetic location: 5q31.3.
Variant type: Deletion.
Coding change: c.114_119del on transcript NM_005859.5 (MANE Select); coding-DNA positions 114 to 119, 6 bases deleted (GGGCGG; older notation c.114_119delGGGCGG).
Protein change: p.Gly41_Gly42del.
Molecular consequence: inframe deletion.
Genome position (GRCh38, 1-based): chr5:140,114,295-140,114,300, GGGCGG deleted; deleting any 6 consecutive bases within chr5:140,114,290-140,114,300 gives the same sequence; the c. name uses the placement nearest the transcript's 3' end. VCF-style (leftmost placement, unchanged base first): chr5-140114289-CGGCGGG-C. GRCh37 (hg19) VCF-style: chr5-139493874-CGGCGGG-C.
Identifiers: ClinVar variation 1404293 (VCV001404293.10), dbSNP rs2126748653, ClinGen allele CA2573139224.

ClinVar aggregate classification (germline): Uncertain significance. Review status: criteria provided, multiple submitters, no conflicts (2 of 4 stars). 2 submissions from 2 submitters: Uncertain significance (2). Last evaluated 2026-06-01.

Conditions:
PURA-related severe neonatal hypotonia-seizures-encephalopathy syndrome (NEDRIHF). Also called: NEURODEVELOPMENTAL DISORDER WITH NEONATAL RESPIRATORY INSUFFICIENCY, HYPOTONIA, AND FEEDING DIFFICULTIES; PURA-Related Neurodevelopmental Disorders. Identifiers: Orphanet 438213, Orphanet 438216, MedGen C4015357, MONDO:1060108, OMIM 616158, MONDO:0018580.

Submissions (2):

CeGaT Center for Human Genetics Tuebingen
Classification: Uncertain significance. Last evaluated: 2026-06-01. Review status: criteria provided, single submitter. Criteria: CeGaT Center For Human Genetics Tuebingen Variant Classification Criteria Version 2. Collection method: clinical testing. Allele origin: germline. Affected: yes. Observed: 1 variant allele.
Comment: PURA: PM2

Labcorp Genetics (formerly Invitae), Labcorp
Classification: Uncertain significance for PURA-related severe neonatal hypotonia-seizures-encephalopathy syndrome. Last evaluated: 2021-03-20. Review status: criteria provided, single submitter. Criteria: Invitae Variant Classification Sherloc (09022015). Collection method: clinical testing. Allele origin: germline.
Comment: This variant, c.114_119del, results in the deletion of 2 amino acid(s) of the PURA protein (p.Gly41_Gly42del), but otherwise preserves the integrity of the reading frame. The frequency data for this variant in the population databases is considered unreliable, as metrics indicate insufficient coverage at this position in the ExAC database. In summary, the available evidence is currently insufficient to determine the role of this variant in disease. Therefore, it has been classified as a Variant of Uncertain Significance. Experimental studies and prediction algorithms are not available or were not evaluated, and the functional significance of this variant is currently unknown. This variant has not been reported in the literature in individuals with PURA-related conditions.